The following is an entry in ClinVar:

ClinVar aggregate classification (germline): Pathogenic (1 of 4 stars; one submission).

Submission:

Labcorp Genetics (formerly Invitae), Labcorp
Classification: Pathogenic. Last evaluated: 2022-05-15. Review status: criteria provided, single submitter. Criteria: Invitae Variant Classification Sherloc (09022015). Collection method: clinical testing. Allele origin: germline.
Comment: For these reasons, this variant has been classified as Pathogenic. Advanced modeling of protein sequence and biophysical properties (such as structural, functional, and spatial information, amino acid conservation, physicochemical variation, residue mobility, and thermodynamic stability) performed at Invitae indicates that this missense variant is expected to disrupt TRIO protein function. This missense change has been observed in individual(s) with clinical features of TRIO-related conditions (PMID: 28191889; Invitae). In at least one individual the variant was observed to be de novo. This variant is not present in population databases (gnomAD no frequency). This sequence change replaces lysine, which is basic and polar, with glutamic acid, which is acidic and polar, at codon 1086 of the TRIO protein (p.Lys1086Glu).

Literature cited by the submitters: PubMed 28191889.

NM_007118.4(TRIO):c.3256A>G (p.Lys1086Glu)

Gene: TRIO (trio Rho guanine nucleotide exchange factor; plus strand). Cytogenetic location: 5p15.2.
Variant type: single nucleotide variant.
Coding change: c.3256A>G on transcript NM_007118.4 (MANE Select); coding-DNA position 3256, A replaced by G.
Protein change: p.Lys1086Glu; replaces lysine 1086 with glutamic acid.
Molecular consequence: missense variant. On other transcripts: non-coding transcript variant (1).
Genome position (GRCh38, 1-based): chr5:14,374,268, A>G. VCF-style: chr5-14374268-A-G. GRCh37 (hg19) VCF-style: chr5-14374377-A-G.
Other names: short protein forms K1086E.
Identifiers: ClinVar variation 2098259 (VCV002098259.4), dbSNP rs2532735253, ClinGen allele CA359218518.